The following is an entry in ClinVar:

ClinVar aggregate classification (germline): Uncertain significance. Review status: criteria provided, multiple submitters, no conflicts (2 of 4 stars). 3 submissions from 3 submitters: Uncertain significance (3). Last evaluated 2025-07-09.

Conditions:
Inborn genetic diseases. Identifiers: MedGen C0950123, MeSH D030342.
Sulfite oxidase deficiency due to molybdenum cofactor deficiency type C. Also called: Molybdenum cofactor deficiency C; Molybdenum cofactor deficiency, complementation group C. Identifiers: Orphanet 308400, Orphanet 833, MedGen C1854990, MONDO:0014212, OMIM 615501.

Allele frequency attached by ClinVar (database versions not stated): gnomAD 0.00003; gnomAD exomes 0.00003; TOPMed 0.00003; ExAC 0.00003.
gnomAD v4.1: 123 of 1,613,204 alleles (0.0076%); highest among the groups gnomAD compares: Non-Finnish European, 0.0095%; no homozygotes.

Submissions (3):

Mayo Clinic Laboratories, Mayo Clinic
Classification: Uncertain significance. Last evaluated: 2025-07-09. Review status: criteria provided, single submitter. Criteria: ACMG Guidelines, 2015. Collection method: clinical testing. Allele origin: germline. Observed: 1 variant allele.

Labcorp Genetics (formerly Invitae), Labcorp
Classification: Uncertain significance for Sulfite oxidase deficiency due to molybdenum cofactor deficiency type C. Last evaluated: 2024-07-01. Review status: criteria provided, single submitter. Criteria: Invitae Variant Classification Sherloc (09022015). Collection method: clinical testing. Allele origin: germline.
Comment: This sequence change replaces valine, which is neutral and non-polar, with methionine, which is neutral and non-polar, at codon 345 of the GPHN protein (p.Val345Met). This variant is present in population databases (rs774554831, gnomAD 0.01%). This variant has not been reported in the literature in individuals affected with GPHN-related conditions. ClinVar contains an entry for this variant (Variation ID: 664311). Advanced modeling of protein sequence and biophysical properties (such as structural, functional, and spatial information, amino acid conservation, physicochemical variation, residue mobility, and thermodynamic stability) performed at Invitae indicates that this missense variant is expected to disrupt GPHN protein function with a positive predictive value of 80%. In summary, the available evidence is currently insufficient to determine the role of this variant in disease. Therefore, it has been classified as a Variant of Uncertain Significance.

Ambry Genetics
Classification: Uncertain significance for Inborn genetic diseases. Last evaluated: 2024-05-03. Review status: criteria provided, single submitter. Criteria: Ambry Variant Classification Scheme 2023. Collection method: clinical testing. Allele origin: germline.

NM_020806.5(GPHN):c.1033G>A (p.Val345Met)

Gene: GPHN (gephyrin; plus strand). Cytogenetic location: 14q23.3.
Variant type: single nucleotide variant.
Coding change: c.1033G>A on transcript NM_020806.5 (MANE Select); coding-DNA position 1033, G replaced by A.
Protein change: p.Val345Met; replaces valine 345 with methionine.
Molecular consequence: missense variant.
Genome position (GRCh38, 1-based): chr14:67,058,675, G>A. VCF-style: chr14-67058675-G-A. GRCh37 (hg19) VCF-style: chr14-67525392-G-A.
Other names: p.Val345Met; c.934G>A, p.Val312Met (NM_001024218.2); c.1093G>A, p.Val365Met (NM_001377514.1); c.1063G>A, p.Val355Met (NM_001377515.1); c.1054G>A, p.Val352Met (NM_001377516.1); c.1006G>A, p.Val336Met (NM_001377517.1); c.991G>A, p.Val331Met (NM_001377518.1); c.973G>A, p.Val325Met (NM_001377519.1); short protein forms V345M, V312M, V325M, V331M, V336M, V352M, V355M, V365M.
Identifiers: ClinVar variation 664311 (VCV000664311.13), dbSNP rs774554831, ClinGen allele CA7233934.
Genomic context (GRCh38, chr14:67,058,675, plus strand): 5'-CATCATATTCTTAGTTAATTATCTTACTGTTTAGGTCACAGTGCTGTCGATATCACCAAG[G>A]TGGCTAGAAGACATCGCATGTCTCCTTTTCCTCTGACATCTATGGACAAAGCCTTTATCA-3'
Protein context (NP_065857.1, residues 335-355): ASHSAVDITK[Val345Met]ARRHRMSPFP